The following is an entry in ClinVar:

NM_003091.4(SNRPB):c.30G>A (p.Leu10=)

Gene: SNRPB (small nuclear ribonucleoprotein polypeptides B and B1; minus strand). Cytogenetic location: 20p13.
Variant type: single nucleotide variant.
Coding change: c.30G>A on transcript NM_003091.4 (MANE Select); coding-DNA position 30, G replaced by A.
Protein change: p.Leu10=; no amino-acid change (leucine 10 retained).
Molecular consequence: synonymous variant.
Genome position (GRCh38, 1-based): chr20:2,467,732, C>T on the plus strand (G>A on the coding strand, the complement: SNRPB is on the minus strand). VCF-style: chr20-2467732-C-T. GRCh37 (hg19) VCF-style: chr20-2448378-C-T.
Other names: c.30G>A, p.Leu10= (NM_198216.2).
Identifiers: ClinVar variation 3046434 (VCV003046434.3), dbSNP rs2514425410, ClinGen allele CA509391187.
Genomic context (GRCh38, chr20:2,467,732, plus strand): 5'-GGTGCCAATGAAGATCCGGCCGTCCTGCAGGATGCACCTCATCCTGTAATCAATATGCTG[C>T]AGCATCTTGCTGCTCTTGCCCACCGTCTGCAAGGAGAAATGGACAGGGATGAGACTCTGC-3'
Protein context (NP_003082.1, residues 1-20): MTVGKSSKM[Leu10=]QHIDYRMRCI

ClinVar aggregate classification (germline): Likely benign. Review status: criteria provided, single submitter (1 of 4 stars). 2 submissions from 2 submitters: Likely benign (1). 1 of the submissions does not count toward it.

Conditions:
SNRPB-related disorder. Also called: SNRPB-related condition.

Submissions (2):

Breakthrough Genomics
Classification: Likely benign. Review status: criteria provided, single submitter. Criteria: ACMG Guidelines, 2015. Collection method: not provided. Allele origin: germline. Inheritance: Autosomal dominant inheritance. Affected: yes.

PreventionGenetics, part of Exact Sciences
Classification: Likely benign for SNRPB-related condition. Last evaluated: 2019-02-21. Review status: no assertion criteria provided. Collection method: clinical testing. Allele origin: germline. Not counted in ClinVar's aggregate classification.
Comment: This variant is classified as likely benign based on ACMG/AMP sequence variant interpretation guidelines (Richards et al. 2015 PMID: 25741868, with internal and published modifications).